The following is an entry in ClinVar:

ClinVar aggregate classification (germline): Uncertain significance. Review status: criteria provided, multiple submitters, no conflicts (2 of 4 stars). 2 submissions from 2 submitters: Uncertain significance (2). Last evaluated 2026-01-28.

gnomAD v4.1: 5 of 1,599,816 alleles (0.00031%); highest among the groups gnomAD compares: Admixed American, 0.0035%; no homozygotes.

Submissions (2):

Dasa
Classification: Uncertain significance. Last evaluated: 2026-01-28. Review status: criteria provided, single submitter. Criteria: DASA Assertion Criteria. Collection method: clinical testing. Allele origin: germline.
Comment: NM_001330700.2(TOP2B):c.4740T>A (p.Asp1580Glu) is a missense variant that results in the substitution of aspartic acid with glutamic acid. This variant is rare in population databases. The currently available literature and clinical evidence are not sufficient to establish a definitive association between this variant and the reported condition. Therefore, this variant is classified as a variant of uncertain significance.

Labcorp Genetics (formerly Invitae), Labcorp
Classification: Uncertain significance. Last evaluated: 2023-10-06. Review status: criteria provided, single submitter. Criteria: Invitae Variant Classification Sherloc (09022015). Collection method: clinical testing. Allele origin: germline.
Comment: This sequence change replaces aspartic acid, which is acidic and polar, with glutamic acid, which is acidic and polar, at codon 1575 of the TOP2B protein (p.Asp1575Glu). This variant is present in population databases (no rsID available, gnomAD 0.0009%). This variant has not been reported in the literature in individuals affected with TOP2B-related conditions. ClinVar contains an entry for this variant (Variation ID: 1963400). An algorithm developed to predict the effect of missense changes on protein structure and function (PolyPhen-2) suggests that this variant is likely to be tolerated. In summary, the available evidence is currently insufficient to determine the role of this variant in disease. Therefore, it has been classified as a Variant of Uncertain Significance.

NM_001330700.2(TOP2B):c.4740T>A (p.Asp1580Glu)

Gene: TOP2B (DNA topoisomerase II beta; minus strand). Cytogenetic location: 3p24.2.
Variant type: single nucleotide variant.
Coding change: c.4740T>A on transcript NM_001330700.2 (MANE Select); coding-DNA position 4740, T replaced by A.
Protein change: p.Asp1580Glu; replaces aspartic acid 1580 with glutamic acid.
Molecular consequence: missense variant.
Genome position (GRCh38, 1-based): chr3:25,598,448, A>T on the plus strand (T>A on the coding strand, the complement: TOP2B is on the minus strand). VCF-style: chr3-25598448-A-T. GRCh37 (hg19) VCF-style: chr3-25639939-A-T.
Other names: c.4725T>A, p.Asp1575Glu (NM_001068.3); short protein forms D1575E, D1580E.
Identifiers: ClinVar variation 1963400 (VCV001963400.7), dbSNP rs576675356, ClinGen allele CA351890144.
Genomic context (GRCh38, chr3:25,598,448, plus strand): 5'-GGTTCGTGGCAGAGAAGGTGGCTCAGTAGGGAAGTCTGAGGGGAAGATGTCCACATCTGA[A>T]TCCTGATCAAAAGATGTCTTCTTCGGTTTCTAGATTTTTTTTCAATAGATTTAAAAGTTA-3'
Protein context (NP_001317629.1, residues 1570-1590): KKPKKTSFDQ[Asp1580Glu]SDVDIFPSDF